The following is an entry in ClinVar:

ClinVar aggregate classification (germline): Likely pathogenic. Review status: reviewed by expert panel (3 of 4 stars). 3 submissions from 3 submitters: Likely pathogenic (1). 2 of the submissions do not count toward it. Last evaluated 2023-05-16.

Conditions:
Glanzmann thrombasthenia 1 (GT1). Also called: BLEEDING DISORDER, PLATELET-TYPE, 2; GP IIb-IIIa COMPLEX DEFICIENCY; GLYCOPROTEIN COMPLEX IIb-IIIa DEFICIENCY; PLATELET FIBRINOGEN RECEPTOR DEFICIENCY. Identifiers: MedGen CN300358, MONDO:0031332, OMIM 273800.
Glanzmann thrombasthenia. Also called: THROMBASTHENIA OF GLANZMANN AND NAEGELI; Glanzmann's thrombasthenia; Thrombasthenia; PLATELET GLYCOPROTEIN IIb-IIIa DEFICIENCY. Identifiers: Orphanet 849, MedGen C0040015, MONDO:0100326.

Submissions (3):

ClinGen Platelet Disorders Variant Curation Expert Panel, ClinGen
Classification: Likely pathogenic for Glanzmann thrombasthenia. Last evaluated: 2023-05-16. Review status: reviewed by expert panel. Criteria: ClinGen Platelet ACMG Specifications v2-1. Collection method: curation. Allele origin: germline. Inheritance: Autosomal recessive inheritance.
Comment: The NM_000419.5(ITGA2B):c.3017dup (p.Gly1007TrpfsTer29) frameshift variant alters around 50% of the transmembrane domain of GPIIb, which has been defined as a region critical to protein function (PVS1_strong). It has been observed in one compound heterozygous GT patient in trans with Tyr471Ter (classified Pathogenic by the PD-VCEP; PM3) as well as one additional family member (PMID: 9798966). It is found at a low allele frequency of 0.00002892 in the gnomAD Latino population (PM2_supporting). In summary, this variant meets the criteria to be classified as likely pathogenic for autosomal recessive Glanzmann Thrombasthenia based on the ACMG/AMP criteria applied, as specified by the ClinGen PD VCEP: PM2_Supporting, PM3, PVS1_strong (PD VCEP specifications version 2.1).

3billion
Classification: Pathogenic for Glanzmann thrombasthenia 1. Last evaluated: 2024-06-01. Review status: criteria provided, single submitter. Criteria: ACMG Guidelines, 2015. Collection method: clinical testing. Allele origin: germline. Affected: yes. Not counted in ClinVar's aggregate classification.
Comment: The variant is observed at an extremely low frequency in the gnomAD v4.0.0 dataset (total allele frequency: <0.001%). Predicted Consequence/Location: Frameshift: predicted to result in a loss or disruption of normal protein function through protein truncation. Multiple pathogenic variants are reported in the predicted truncated region. The variant has been reported multiple times as an established pathogenic variant (ClinVar ID: VCV000996167 /PMID: 9798966). Therefore, this variant is classified as Pathogenic according to the recommendation of ACMG/AMP guideline.

Revvity Omics, Revvity
Classification: Likely pathogenic. Last evaluated: 2023-12-11. Review status: criteria provided, single submitter. Criteria: ACMG Guidelines, 2015. Collection method: clinical testing. Allele origin: germline. Not counted in ClinVar's aggregate classification.

Literature cited by the submitters: PubMed 9798966 (cited by 3billion).

NM_000419.5(ITGA2B):c.3017dup (p.Gly1007fs)

Gene: ITGA2B (integrin subunit alpha 2b; minus strand). Cytogenetic location: 17q21.31.
Variant type: Duplication.
Coding change: c.3017dup on transcript NM_000419.5 (MANE Select); coding-DNA position 3017, one base duplicated (G; older notation c.3017dupG).
Protein change: p.Gly1007fs; shifts the reading frame from glycine 1007.
Molecular consequence: frameshift variant.
Genome position (GRCh38, 1-based): chr17:44,374,397, C duplicated on the plus strand (G on the coding strand, the reverse complement: ITGA2B is on the minus strand); the first of 3 consecutive C bases (chr17:44,374,397-44,374,399); duplicating any one gives the same sequence. VCF-style (leftmost placement, unchanged base first): chr17-44374396-A-AC. GRCh37 (hg19) VCF-style: chr17-42451764-A-AC.
Other names: short protein forms G1007fs.
Identifiers: ClinVar variation 996167 (VCV000996167.5), dbSNP rs1291802895, ClinGen allele CA626224450.